The following is an entry in ClinVar:

NM_002519.3(NPAT):c.439T>G (p.Phe147Val)

Gene: NPAT (nuclear protein, coactivator of histone transcription; minus strand). Cytogenetic location: 11q22.3.
Variant type: single nucleotide variant.
Coding change: c.439T>G on transcript NM_002519.3 (MANE Select); coding-DNA position 439, T replaced by G.
Protein change: p.Phe147Val; replaces phenylalanine 147 with valine.
Molecular consequence: missense variant.
Genome position (GRCh38, 1-based): chr11:108,189,223, A>C on the plus strand (T>G on the coding strand, the complement: NPAT is on the minus strand). VCF-style: chr11-108189223-A-C. GRCh37 (hg19) VCF-style: chr11-108059950-A-C.
Other names: c.439T>G, p.Phe147Val (NM_001321307.1); short protein forms F147V.
Identifiers: ClinVar variation 3300683 (VCV003300683.1).
Genomic context (GRCh38, chr11:108,189,223, plus strand): 5'-GATCTGAAATTTGGCCACTTGGTCGAGTAACCTGTGTACCTGTGGAAGGAGGAGTGGTAA[A>C]CTGTCCTGAAAGGTAAGGTAAAGTGAGCAACTCTGCACTGGCTGGAGCTGTTTGAGATGC-3'
Protein context (NP_002510.2, residues 137-157): LLTLPYLSGQ[Phe147Val]TTPPSTGTQV

ClinVar aggregate classification (germline): Uncertain significance (1 of 4 stars; one submission).

gnomAD v4.1: 2 of 1,614,058 alleles (0.00012%); highest among the groups gnomAD compares: Non-Finnish European, 0.00017%; no homozygotes.

Submission:

Ambry Genetics
Classification: Uncertain significance. Last evaluated: 2024-05-04. Review status: criteria provided, single submitter. Criteria: Ambry Variant Classification Scheme 2023. Collection method: clinical testing. Allele origin: germline.
Comment: The p.F147V variant (also known as c.439T>G), located in coding exon 6 of the NPAT gene, results from a T to G substitution at nucleotide position 439. The phenylalanine at codon 147 is replaced by valine, an amino acid with highly similar properties. This amino acid position is conserved. In addition, this alteration is predicted to be tolerated by in silico analysis. Based on the available evidence, the clinical significance of this variant remains unclear.